The following is an entry in ClinVar:

ClinVar aggregate classification (germline): Uncertain significance (1 of 4 stars; one submission).

Conditions:
Cardiomyopathy (CMYO). Also called: Cardiomyopathies. Identifiers: Orphanet 167848, MedGen C0878544, MONDO:0004994, HP:0001638. Inheritance: Various modes of inheritance.

gnomAD v4.1: 1 of 1,614,194 alleles (0.000062%); highest among the groups gnomAD compares: African/African-American, 0.0013%; no homozygotes.

Submission:

Color Diagnostics, LLC DBA Color Health
Classification: Uncertain significance for Cardiomyopathy. Last evaluated: 2025-06-10. Review status: criteria provided, single submitter. Criteria: ACMG Guidelines, 2015. Collection method: clinical testing. Allele origin: germline.
Comment: This missense variant replaces leucine with phenylalanine at codon 950 of the MYH7 protein. Computational prediction suggests that this variant may have a deleterious impact on protein structure and function. To our knowledge, functional studies have not been reported for this variant. This variant has not been reported in individuals affected with MYH7-related disorders in the literature. This variant has not been identified in the general population by the Genome Aggregation Database (gnomAD). The available evidence is insufficient to determine the role of this variant in disease conclusively. Therefore, this variant is classified as a Variant of Uncertain Significance.

NM_000257.4(MYH7):c.2848C>T (p.Leu950Phe)

Gene: MYH7 (myosin heavy chain 7; minus strand). Cytogenetic location: 14q11.2.
Variant type: single nucleotide variant.
Coding change: c.2848C>T on transcript NM_000257.4 (MANE Select); coding-DNA position 2848, C replaced by T.
Protein change: p.Leu950Phe; replaces leucine 950 with phenylalanine.
Molecular consequence: missense variant.
Genome position (GRCh38, 1-based): chr14:23,423,981, G>A on the plus strand (C>T on the coding strand, the complement: MYH7 is on the minus strand). VCF-style: chr14-23423981-G-A. GRCh37 (hg19) VCF-style: chr14-23893190-G-A.
Other names: c.2848C>T, p.Leu950Phe (NM_001407004.1); short protein forms L950F.
Identifiers: ClinVar variation 4756930 (VCV004756930.1).